The following is an entry in ClinVar:

ClinVar aggregate classification (germline): Uncertain significance (1 of 4 stars; one submission).

Submission:

GeneDx
Classification: Uncertain significance. Last evaluated: 2026-07-16. Review status: criteria provided, single submitter. Criteria: GeneDx Variant Classification Process June 2021. Collection method: clinical testing. Allele origin: germline.
Comment: Not observed at significant frequency in large population cohorts (gnomAD); In silico analysis supports that this missense variant has a deleterious effect on protein structure/function; Has not been previously published as pathogenic or benign to our knowledge

NM_001127222.2(CACNA1A):c.4337T>C (p.Leu1446Pro)

Gene: CACNA1A (calcium voltage-gated channel subunit alpha1 A; minus strand). Cytogenetic location: 19p13.13.
Variant type: single nucleotide variant.
Coding change: c.4337T>C on transcript NM_001127222.2 (MANE Select); coding-DNA position 4337, T replaced by C.
Protein change: p.Leu1446Pro; replaces leucine 1446 with proline.
Molecular consequence: missense variant.
Genome position (GRCh38, 1-based): chr19:13,259,615, A>G on the plus strand (T>C on the coding strand, the complement: CACNA1A is on the minus strand). VCF-style: chr19-13259615-A-G. GRCh37 (hg19) VCF-style: chr19-13370429-A-G.
Other names: c.4349T>C, p.Leu1450Pro (NM_000068.4, NM_023035.3); c.4340T>C, p.Leu1447Pro (NM_001127221.2, NM_001174080.2); short protein forms L1446P, L1447P, L1450P.
Identifiers: ClinVar variation 1706386 (VCV001706386.3), dbSNP rs2512751506, ClinGen allele CA404339302.